The following is an entry in ClinVar:

NM_000018.4(ACADVL):c.1733T>C (p.Met578Thr)

Gene: ACADVL (acyl-CoA dehydrogenase very long chain; plus strand). Cytogenetic location: 17p13.1.
Variant type: single nucleotide variant.
Coding change: c.1733T>C on transcript NM_000018.4 (MANE Select); coding-DNA position 1733, T replaced by C.
Protein change: p.Met578Thr; replaces methionine 578 with threonine.
Molecular consequence: missense variant.
Genome position (GRCh38, 1-based): chr17:7,224,696, T>C. VCF-style: chr17-7224696-T-C. GRCh37 (hg19) VCF-style: chr17-7128015-T-C.
Other names: p.M578T:ATG>ACG; c.1667T>C, p.Met556Thr (NM_001033859.3); c.1802T>C, p.Met601Thr (NM_001270447.2); c.1505T>C, p.Met502Thr (NM_001270448.2); short protein forms M578T, M556T, M502T, M601T.
Identifiers: ClinVar variation 92280 (VCV000092280.29), dbSNP rs375806217, ClinGen allele CA220200.

ClinVar aggregate classification (germline): Uncertain significance. Review status: criteria provided, multiple submitters, no conflicts (2 of 4 stars). 8 submissions from 8 submitters: Uncertain significance (6). 2 of the submissions do not count toward it. Last evaluated 2022-05-22.

Conditions:
Very long chain acyl-CoA dehydrogenase deficiency (ACADVLD). Also called: VLCAD Deficiency; Very Long-Chain Acyl-Coenzyme A Dehydrogenase Deficiency. Identifiers: Orphanet 26793, MedGen C3887523, MONDO:0008723, OMIM 201475.

Allele frequency attached by ClinVar (database versions not stated): gnomAD exomes 0.00001; ESP Exome Variant Server 0.00008; 1000 Genomes Project 0.00020; TOPMed 0.00006; ExAC 0.00008; 1000 Genomes Project 30x 0.00016; gnomAD 0.00009.
gnomAD v4.1: 20 of 1,522,970 alleles (0.0013%); highest among the groups gnomAD compares: African/African-American, 0.023%; no homozygotes.

Submissions (8):

Labcorp Genetics (formerly Invitae), Labcorp
Classification: Uncertain significance for Very long chain acyl-CoA dehydrogenase deficiency. Last evaluated: 2022-05-22. Review status: criteria provided, single submitter. Criteria: Invitae Variant Classification Sherloc (09022015). Collection method: clinical testing. Allele origin: germline.
Comment: This sequence change replaces methionine, which is neutral and non-polar, with threonine, which is neutral and polar, at codon 578 of the ACADVL protein (p.Met578Thr). This variant is present in population databases (rs375806217, gnomAD 0.03%). This variant has not been reported in the literature in individuals affected with ACADVL-related conditions. ClinVar contains an entry for this variant (Variation ID: 92280). Advanced modeling of protein sequence and biophysical properties (such as structural, functional, and spatial information, amino acid conservation, physicochemical variation, residue mobility, and thermodynamic stability) performed at Invitae indicates that this missense variant is expected to disrupt ACADVL protein function. In summary, the available evidence is currently insufficient to determine the role of this variant in disease. Therefore, it has been classified as a Variant of Uncertain Significance.

Women's Health and Genetics/Laboratory Corporation of America, LabCorp
Classification: Uncertain significance. Last evaluated: 2021-12-09. Review status: criteria provided, single submitter. Criteria: LabCorp Variant Classification Summary - May 2015. Collection method: clinical testing. Allele origin: germline.
Comment: Variant summary: ACADVL c.1733T>C (p.Met578Thr) results in a non-conservative amino acid change in the encoded protein sequence. Five of five in-silico tools predict a damaging effect of the variant on protein function. The variant allele was found at a frequency of 9.4e-06 in 213112 control chromosomes. The available data on variant occurrences in the general population are insufficient to allow any conclusion about variant significance. To our knowledge, no occurrence of c.1733T>C in individuals affected with Very Long Chain Acyl-CoA Dehydrogenase Deficiency and no experimental evidence demonstrating its impact on protein function have been reported. Although this variant has been reported as a VUS with a non-informative genotype (second allele not specified) in at-least one allele belonging to a newborn screen (NBS) or a presumed NBS cohort (Miller_2013). Four clinical diagnostic laboratories have submitted clinical-significance assessments for this variant to ClinVar after 2014 without evidence for independent evaluation. All laboratories classified the variant as uncertain significance. Based on the evidence outlined above, the variant was classified as uncertain significance.

Wong Mito Lab, Molecular and Human Genetics, Baylor College of Medicine
Classification: Uncertain significance for Very long chain acyl-CoA dehydrogenase deficiency. Last evaluated: 2019-11-01. Review status: criteria provided, single submitter. Criteria: ACMG Guidelines, 2015. Collection method: clinical testing. Allele origin: germline.
Comment: The NM_000018.3:c.1733T>C (NP_000009.1:p.Met578Thr) [GRCH38: NC_000017.11:g.7224696T>C] variant in ACADVL gene is interpretated to be Uncertain Significance based on ACMG guidelines (PMID: 25741868). This variant has been reported. This variant dose not meet any evidence codes reported in the ACMG guidelines.

ARUP Laboratories, Molecular Genetics and Genomics, ARUP Laboratories
Classification: Uncertain significance. Last evaluated: 2017-12-08. Review status: criteria provided, single submitter. Criteria: ARUP Molecular Germline Variant Investigation Process. Collection method: clinical testing. Allele origin: germline.

GeneDx
Classification: Uncertain significance. Last evaluated: 2015-12-01. Review status: criteria provided, single submitter. Criteria: GeneDx Variant Classification (06012015). Collection method: clinical testing. Allele origin: germline. Affected: yes.
Comment: The M578T missense substitution has not been published as a mutation, nor has it been reported as a benign polymorphism to our knowledge. The amino acid change is non-conservative in that a non-polar Methionine residue is replaced by a polar Threonine residue. This change occurs at a highly conserved position in the ACADVL protein. However, in-silico analysis models are not consistent in their predictions of whether M578T is damaging to the ACADVL protein. Therefore, based on the currently available information it is unclear whether M578T is a disease-causing mutation or a rare benign variant. The variant is found in ACADVL panel(s).

Eurofins Ntd Llc (ga)
Classification: Uncertain significance. Last evaluated: 2013-03-05. Review status: criteria provided, single submitter. Criteria: EGL Classification Definitions 2015. Collection method: clinical testing. Allele origin: germline. Observed: 1 variant allele, 1 heterozygote.

Natera, Inc.
Classification: Uncertain significance for Very long chain acyl-CoA dehydrogenase deficiency. Last evaluated: 2020-01-24. Review status: no assertion criteria provided. Collection method: clinical testing. Allele origin: germline. Not counted in ClinVar's aggregate classification.

Counsyl
Classification: Uncertain significance for Very long chain acyl-CoA dehydrogenase deficiency. Last evaluated: 2017-11-09. Review status: no assertion criteria provided. Collection method: clinical testing. Allele origin: unknown. Not counted in ClinVar's aggregate classification.

Literature cited by the submitters: PubMed 26385305 (cited by Women's Health and Genetics/Laboratory Corporation of America, LabCorp and Counsyl).